The following is an entry in ClinVar:

NM_006306.4(SMC1A):c.3490A>G (p.Asn1164Asp)

Gene: SMC1A (structural maintenance of chromosomes 1A; minus strand). Cytogenetic location: Xp11.22.
Variant type: single nucleotide variant.
Coding change: c.3490A>G on transcript NM_006306.4 (MANE Select); coding-DNA position 3490, A replaced by G.
Protein change: p.Asn1164Asp; replaces asparagine 1164 with aspartic acid.
Molecular consequence: missense variant.
Genome position (GRCh38, 1-based): chrX:53,381,035, T>C on the plus strand (A>G on the coding strand, the complement: SMC1A is on the minus strand). VCF-style: chrX-53381035-T-C. GRCh37 (hg19) VCF-style: chrX-53407956-T-C.
Other names: c.3424A>G, p.Asn1142Asp (NM_001281463.1); c.3490A>G (NM_006306.2); short protein forms N1142D, N1164D.
Identifiers: ClinVar variation 984986 (VCV000984986.5), dbSNP rs868961188, ClinGen allele CA413242634.

ClinVar aggregate classification (germline): Conflicting classifications of pathogenicity. Review status: criteria provided, conflicting classifications (1 of 4 stars). 2 submissions from 2 submitters: Likely pathogenic (1); Uncertain significance (1). Last evaluated 2025-10-14.

Conditions:
Inborn genetic diseases. Identifiers: MedGen C0950123, MeSH D030342.
Congenital muscular hypertrophy-cerebral syndrome (CDLS2). Also called: SMC1A-Related Cornelia de Lange Syndrome; Cornelia de Lange syndrome 2. Identifiers: Orphanet 199, MedGen C1802395, MONDO:0010370, OMIM 300590.

Submissions (2):

Ambry Genetics
Classification: Uncertain significance for Inborn genetic diseases. Last evaluated: 2025-10-14. Review status: criteria provided, single submitter. Criteria: Ambry Variant Classification Scheme 2023. Collection method: clinical testing. Allele origin: germline.
Comment: The c.3490A>G (p.N1164D) alteration is located in exon 23 (coding exon 23) of the SMC1A gene. This alteration results from a A to G substitution at nucleotide position 3490, causing the asparagine (N) at amino acid position 1164 to be replaced by an aspartic acid (D). This variant was not reported in population-based cohorts in the Genome Aggregation Database (gnomAD). This amino acid position is highly conserved in available vertebrate species. The in silico prediction for this alteration is inconclusive. Based on insufficient or conflicting evidence, the clinical significance of this alteration remains unclear.

Breda Genetics srl
Classification: Likely pathogenic for Congenital muscular hypertrophy-cerebral syndrome. Last evaluated: 2020-10-21. Review status: criteria provided, single submitter. Criteria: ACMG Guidelines, 2015. Collection method: clinical testing. Allele origin: germline. Inheritance: X-linked dominant inheritance. Affected: yes. Observed: 1 variant allele, 1 heterozygote.
Comment: The variant c.3490A>G (p.Asn1164Asp) in the SMC1A gene has not been reported in gnomAD, 1000 Genomes, NHLI Exome Sequencing Project (ESP) or ClinVar. The nucleotide position is conserved across 35 mammalian species (GERP RS: 4.09). In silico analysis indicates that the variant might be damaging. Another missense variant, c.3497A>C (p.Asn1166Thr), that falls two amino acids after, is reported as pathogenic in ClinVar (Variation ID: 807691).